The following is an entry in ClinVar:

ClinVar aggregate classification (germline): Uncertain significance (1 of 4 stars; one submission).

Allele frequency attached by ClinVar (database versions not stated): gnomAD 0.00007; gnomAD exomes 0.00007; 1000 Genomes Project 30x 0.00016.
gnomAD v4.1: 42 of 694,046 alleles (0.0061%); highest among the groups gnomAD compares: Admixed American, 0.024%; no homozygotes.

Submission:

Labcorp Genetics (formerly Invitae), Labcorp
Classification: Uncertain significance. Last evaluated: 2025-08-31. Review status: criteria provided, single submitter. Criteria: Invitae Variant Classification Sherloc (09022015). Collection method: clinical testing. Allele origin: germline.
Comment: This variant occurs in the RNU4ATAC gene, which encodes an RNA molecule that does not result in a protein product. This variant is present in population databases (rs765672625, gnomAD 0.03%). This variant has not been reported in the literature in individuals affected with RNU4ATAC-related conditions. ClinVar contains an entry for this variant (Variation ID: 1471153). Experimental studies and prediction algorithms are not available or were not evaluated, and the functional significance of this variant is currently unknown. In summary, the available evidence is currently insufficient to determine the role of this variant in disease. Therefore, it has been classified as a Variant of Uncertain Significance.

NC_000002.12:g.121530893T>C

Genes: CLASP1 (cytoplasmic linker associated protein 1; minus strand), CLASP1-AS1 (CLASP1 antisense RNA 1; plus strand), RNU4ATAC (RNA, U4atac small nuclear; plus strand). Cytogenetic location: 2q14.2.
Variant type: single nucleotide variant.
Molecular consequence: intron variant (on NM_001395891.1).
Genome position: GRCh38 VCF-style: chr2-121530893-T-C. GRCh37 (hg19) VCF-style: chr2-122288469-T-C.
Other names: c.196-568A>G (NM_001142274.2, NM_015282.3, NM_001378003.1 and 5 more transcripts).
Identifiers: ClinVar variation 1471153 (VCV001471153.4), dbSNP rs765672625, ClinGen allele CA54810768.